The following is an entry in ClinVar:

ClinVar aggregate classification (germline): Uncertain significance (1 of 4 stars; one submission).

gnomAD v4.1: 20 of 1,515,858 alleles (0.0013%); highest among the groups gnomAD compares: Non-Finnish European, 0.0018%; no homozygotes.

Submission:

Labcorp Genetics (formerly Invitae), Labcorp
Classification: Uncertain significance. Last evaluated: 2025-07-08. Review status: criteria provided, single submitter. Criteria: Invitae Variant Classification Sherloc (09022015). Collection method: clinical testing. Allele origin: germline.
Comment: This sequence change replaces alanine, which is neutral and non-polar, with glycine, which is neutral and non-polar, at codon 121 of the CCER2 protein (p.Ala121Gly). The frequency data for this variant in the population databases is considered unreliable, as metrics indicate poor data quality at this position in the gnomAD database. This variant has not been reported in the literature in individuals affected with CCER2-related conditions. An algorithm developed to predict the effect of missense changes on protein structure and function (PolyPhen-2) suggests that this variant is likely to be disruptive. In summary, the available evidence is currently insufficient to determine the role of this variant in disease. Therefore, it has been classified as a Variant of Uncertain Significance.

NM_001243212.2(CCER2):c.362C>G (p.Ala121Gly)

Gene: CCER2 (coiled-coil glutamate rich protein 2; minus strand). Cytogenetic location: 19q13.2.
Variant type: single nucleotide variant.
Coding change: c.362C>G on transcript NM_001243212.2 (MANE Select); coding-DNA position 362, C replaced by G.
Protein change: p.Ala121Gly; replaces alanine 121 with glycine.
Molecular consequence: missense variant.
Genome position (GRCh38, 1-based): chr19:38,910,912, G>C on the plus strand (C>G on the coding strand, the complement: CCER2 is on the minus strand). VCF-style: chr19-38910912-G-C. GRCh37 (hg19) VCF-style: chr19-39401552-G-C.
Other names: short protein forms A121G.
Identifiers: ClinVar variation 4775176 (VCV004775176.1).